The following is an entry in ClinVar:

NM_000051.4(ATM):c.4643A>G (p.Asp1548Gly)

Gene: ATM (ATM serine/threonine kinase; plus strand). Cytogenetic location: 11q22.3.
Variant type: single nucleotide variant.
Coding change: c.4643A>G on transcript NM_000051.4 (MANE Select); coding-DNA position 4643, A replaced by G.
Protein change: p.Asp1548Gly; replaces aspartic acid 1548 with glycine.
Molecular consequence: missense variant.
Genome position (GRCh38, 1-based): chr11:108,293,344, A>G. VCF-style: chr11-108293344-A-G. GRCh37 (hg19) VCF-style: chr11-108164071-A-G.
Other names: c.4643A>G, p.Asp1548Gly (NM_001351834.2); short protein forms D1548G.
Identifiers: ClinVar variation 2095192 (VCV002095192.4), dbSNP rs1448017467, ClinGen allele CA382534631.

ClinVar aggregate classification (germline): Uncertain significance (1 of 4 stars; one submission).

Conditions:
Ataxia-telangiectasia syndrome (AT). Also called: Ataxia-telangiectasia, complementation group D; AT, COMPLEMENTATION GROUP C; ATAXIA-TELANGIECTASIA, COMPLEMENTATION GROUP A; ATAXIA-TELANGIECTASIA, FRESNO VARIANT; Ataxia telangiectasia (A-T); Ataxia-telangiectasia. Identifiers: Orphanet 100, MedGen C0004135, MONDO:0008840, OMIM 208900.

Submission:

Labcorp Genetics (formerly Invitae), Labcorp
Classification: Uncertain significance for Ataxia-telangiectasia syndrome. Last evaluated: 2023-10-03. Review status: criteria provided, single submitter. Criteria: Invitae Variant Classification Sherloc (09022015). Collection method: clinical testing. Allele origin: germline.
Comment: This sequence change replaces aspartic acid, which is acidic and polar, with glycine, which is neutral and non-polar, at codon 1548 of the ATM protein (p.Asp1548Gly). This variant is not present in population databases (gnomAD no frequency). This variant has not been reported in the literature in individuals affected with ATM-related conditions. ClinVar contains an entry for this variant (Variation ID: 2095192). An algorithm developed to predict the effect of missense changes on protein structure and function (PolyPhen-2) suggests that this variant is likely to be tolerated. In summary, the available evidence is currently insufficient to determine the role of this variant in disease. Therefore, it has been classified as a Variant of Uncertain Significance.